The following is an entry in ClinVar:

ClinVar aggregate classification (germline): Likely benign (1 of 4 stars; one submission).

Allele frequency attached by ClinVar (database versions not stated): gnomAD exomes 0.00031; ExAC 0.00044; gnomAD 0.00080 and 0.00082; 1000 Genomes Project 30x 0.00172.
gnomAD v4.1: 577 of 1,612,428 alleles (0.036%); highest among the groups gnomAD compares: African/African-American, 0.19%; 3 homozygotes.

Submission:

CeGaT Center for Human Genetics Tuebingen
Classification: Likely benign. Last evaluated: 2025-10-01. Review status: criteria provided, single submitter. Criteria: CeGaT Center For Human Genetics Tuebingen Variant Classification Criteria Version 2. Collection method: clinical testing. Allele origin: germline. Affected: yes. Observed: 4 variant alleles.
Comment: SORD: BP4, BP7

NM_003104.6(SORD):c.378C>T (p.Asp126=)

Gene: SORD (sorbitol dehydrogenase; plus strand). Cytogenetic location: 15q21.1.
Variant type: single nucleotide variant.
Coding change: c.378C>T on transcript NM_003104.6 (MANE Select); coding-DNA position 378, C replaced by T.
Protein change: p.Asp126=; no amino-acid change (aspartic acid 126 retained).
Molecular consequence: synonymous variant. On other transcripts: non-coding transcript variant (1).
Genome position (GRCh38, 1-based): chr15:45,061,179, C>T. VCF-style: chr15-45061179-C-T. GRCh37 (hg19) VCF-style: chr15-45353377-C-T.
Identifiers: ClinVar variation 1012845 (VCV001012845.38), dbSNP rs777767558, ClinGen allele CA7537155.